The following is an entry in ClinVar:

ClinVar aggregate classification (germline): Uncertain significance (1 of 4 stars; one submission).

Allele frequency attached by ClinVar (database versions not stated): ExAC 0.00003; TOPMed 0.00007; gnomAD 0.00008; 1000 Genomes Project 30x 0.00016; 1000 Genomes Project 0.00020.
gnomAD v4.1: 34 of 1,613,896 alleles (0.0021%); highest among the groups gnomAD compares: African/African-American, 0.02%; no homozygotes.

Submission:

Labcorp Genetics (formerly Invitae), Labcorp
Classification: Uncertain significance. Last evaluated: 2022-04-30. Review status: criteria provided, single submitter. Criteria: Invitae Variant Classification Sherloc (09022015). Collection method: clinical testing. Allele origin: germline.
Comment: This sequence change replaces serine, which is neutral and polar, with glycine, which is neutral and non-polar, at codon 495 of the NDUFS1 protein (p.Ser495Gly). This variant is present in population databases (rs535061302, gnomAD 0.02%). This variant has not been reported in the literature in individuals affected with NDUFS1-related conditions. Algorithms developed to predict the effect of missense changes on protein structure and function (SIFT, PolyPhen-2, Align-GVGD) all suggest that this variant is likely to be tolerated. In summary, the available evidence is currently insufficient to determine the role of this variant in disease. Therefore, it has been classified as a Variant of Uncertain Significance.

NM_005006.7(NDUFS1):c.1483A>G (p.Ser495Gly)

Gene: NDUFS1 (NADH:ubiquinone oxidoreductase core subunit S1; minus strand). Cytogenetic location: 2q33.3.
Variant type: single nucleotide variant.
Coding change: c.1483A>G on transcript NM_005006.7 (MANE Select); coding-DNA position 1483, A replaced by G.
Protein change: p.Ser495Gly; replaces serine 495 with glycine.
Molecular consequence: missense variant.
Genome position (GRCh38, 1-based): chr2:206,133,015, T>C on the plus strand (A>G on the coding strand, the complement: NDUFS1 is on the minus strand). VCF-style: chr2-206133015-T-C. GRCh37 (hg19) VCF-style: chr2-206997739-T-C.
Other names: c.1375A>G, p.Ser459Gly (NM_001199981.2); c.1150A>G, p.Ser384Gly (NM_001199982.2); c.1312A>G, p.Ser438Gly (NM_001199983.2); c.1525A>G, p.Ser509Gly (NM_001199984.2); short protein forms S438G, S459G, S495G, S509G, S384G.
Identifiers: ClinVar variation 2183270 (VCV002183270.4), dbSNP rs535061302, ClinGen allele CA2070434.